The following is an entry in ClinVar:

ClinVar aggregate classification (germline): Likely benign. Review status: criteria provided, multiple submitters, no conflicts (2 of 4 stars). 3 submissions from 3 submitters: Likely benign (3). Last evaluated 2026-01-10.

Conditions:
Charcot-Marie-Tooth disease recessive intermediate C. Also called: CHARCOT-MARIE-TOOTH NEUROPATHY, RECESSIVE INTERMEDIATE C. Identifiers: Orphanet 369867, MedGen C3809309, MONDO:0014154, OMIM 615376.
Neuronopathy, distal hereditary motor, autosomal recessive 4. Also called: NEUROPATHY, DISTAL HEREDITARY MOTOR, AUTOSOMAL RECESSIVE 4; Autosomal recessive lower motor neuron disease with childhood onset. Identifiers: Orphanet 206580, MedGen C1970211, MONDO:0012608, OMIM 611067.
Inborn genetic diseases. Identifiers: MedGen C0950123, MeSH D030342.

Allele frequency attached by ClinVar (database versions not stated): gnomAD exomes below 0.00001; ExAC 0.00001.
gnomAD v4.1: 6 of 1,613,984 alleles (0.00037%); highest among the groups gnomAD compares: Non-Finnish European, 0.00051%; no homozygotes.

Submissions (3):

Labcorp Genetics (formerly Invitae), Labcorp
Classification: Likely benign for Neuronopathy, distal hereditary motor, autosomal recessive 4; Charcot-Marie-Tooth disease recessive intermediate C. Last evaluated: 2026-01-10. Review status: criteria provided, single submitter. Criteria: Invitae Variant Classification Sherloc (09022015). Collection method: clinical testing. Allele origin: germline.

Ambry Genetics
Classification: Likely benign for Inborn genetic diseases. Last evaluated: 2019-07-11. Review status: criteria provided, single submitter. Criteria: Ambry Variant Classification Scheme 2023. Collection method: clinical testing. Allele origin: germline.

GeneDx
Classification: Likely benign. Last evaluated: 2016-12-07. Review status: criteria provided, single submitter. Criteria: GeneDx Variant Classification (06012015). Collection method: clinical testing. Allele origin: germline. Affected: yes.
Comment: This variant is considered likely benign or benign based on one or more of the following criteria: it is a conservative change, it occurs at a poorly conserved position in the protein, it is predicted to be benign by multiple in silico algorithms, and/or has population frequency not consistent with disease.

NM_020631.6(PLEKHG5):c.102A>G (p.Ala34=)

Gene: PLEKHG5 (pleckstrin homology and RhoGEF domain containing G5; minus strand). Cytogenetic location: 1p36.31.
Variant type: single nucleotide variant.
Coding change: c.102A>G on transcript NM_020631.6 (MANE Select); coding-DNA position 102, A replaced by G.
Protein change: p.Ala34=; no amino-acid change (alanine 34 retained).
Molecular consequence: synonymous variant.
Genome position (GRCh38, 1-based): chr1:6,475,978, T>C on the plus strand (A>G on the coding strand, the complement: PLEKHG5 is on the minus strand). VCF-style: chr1-6475978-T-C. GRCh37 (hg19) VCF-style: chr1-6536038-T-C.
Other names: c.213A>G, p.Ala71= (NM_001042663.3, NM_001265592.2); c.102A>G, p.Ala34= (NM_001042664.2, NM_001042665.2, NM_001265594.3 and 1 more transcripts); c.309A>G, p.Ala103= (NM_001265593.2).
Identifiers: ClinVar variation 391395 (VCV000391395.6), dbSNP rs771144155, ClinGen allele CA561987.